The following is an entry in ClinVar:

NM_000169.3(GLA):c.708G>T (p.Trp236Cys)

Genes: GLA (galactosidase alpha; minus strand), RPL36A-HNRNPH2 (RPL36A-HNRNPH2 readthrough; plus strand). Cytogenetic location: Xq22.1.
Variant type: single nucleotide variant.
Coding change: c.708G>T on transcript NM_000169.3 (MANE Select); coding-DNA position 708, G replaced by T.
Protein change: p.Trp236Cys; replaces tryptophan 236 with cysteine.
Molecular consequence: missense variant. On other transcripts: non-coding transcript variant (3), intron variant (2).
Genome position (GRCh38, 1-based): chrX:101,398,878, C>A on the plus strand (G>T on the coding strand, the complement: GLA is on the minus strand). VCF-style: chrX-101398878-C-A. GRCh37 (hg19) VCF-style: chrX-100653866-C-A.
Other names: c.831G>T, p.Trp277Cys (NM_001406747.1); c.708G>T, p.Trp236Cys (NM_001406748.1); c.300+3421C>A (NM_001199973.2); c.177+7056C>A (NM_001199974.2); short protein forms W236C, W277C.
Identifiers: ClinVar variation 501332 (VCV000501332.10), dbSNP rs869312386, ClinGen allele CA413924684.
Genomic context (GRCh38, chrX:101,398,878, plus strand): 5'-AACATCAACAATTCTCTCCTGGTTAAAAGATGTCCAGTCCAAGATACTCTTTATACTTTT[C>A]CAGGAATCATCAATGTCAGCAAAATTTCGCCAGTGATTGCAGTACTGTCGGATTTCTGTA-3'
Protein context (NP_000160.1, residues 226-246): WRNFADIDDS[Trp236Cys]KSIKSILDWT

ClinVar aggregate classification (germline): Pathogenic/Likely pathogenic. Review status: criteria provided, multiple submitters, no conflicts (2 of 4 stars). 2 submissions from 2 submitters: Pathogenic (1); Likely pathogenic (1). Last evaluated 2022-02-27.

Conditions:
Fabry disease. Also called: Fabry's disease; Angiokeratoma corporis diffusum; ALPHA-GALACTOSIDASE A DEFICIENCY; ANDERSON-FABRY DISEASE; CERAMIDE TRIHEXOSIDASE DEFICIENCY; GLA DEFICIENCY. Identifiers: Orphanet 324, MedGen C0002986, MONDO:0010526, OMIM 301500, HP:0001071. Disease mechanism: loss of function, Fabry disease is due to inactivating mutations in the X-linked GLA gene resulting in deficiency of the enzyme Alpha Galactosidase-A..

Submissions (2):

Labcorp Genetics (formerly Invitae), Labcorp
Classification: Pathogenic for Fabry disease. Last evaluated: 2022-02-27. Review status: criteria provided, single submitter. Criteria: Invitae Variant Classification Sherloc (09022015). Collection method: clinical testing. Allele origin: germline.
Comment: Experimental studies have shown that this missense change affects GLA function (PMID: 23935525). Algorithms developed to predict the effect of missense changes on protein structure and function (SIFT, PolyPhen-2, Align-GVGD) all suggest that this variant is likely to be disruptive. ClinVar contains an entry for this variant (Variation ID: 501332). This missense change has been observed in individual(s) with Fabry disease (PMID: 8875188, 16720462, 27431810). It has also been observed to segregate with disease in related individuals. This variant is not present in population databases (gnomAD no frequency). This sequence change replaces tryptophan, which is neutral and slightly polar, with cysteine, which is neutral and slightly polar, at codon 236 of the GLA protein (p.Trp236Cys). This variant disrupts the p.Trp236 amino acid residue in GLA. Other variant(s) that disrupt this residue have been observed in individuals with GLA-related conditions (PMID: 10666480, 16595074), which suggests that this may be a clinically significant amino acid residue. For these reasons, this variant has been classified as Pathogenic.

Eurofins Ntd Llc (ga)
Classification: Likely pathogenic. Last evaluated: 2017-04-10. Review status: criteria provided, single submitter. Criteria: EGL Classification Definitions 2015. Collection method: clinical testing. Allele origin: germline.

Literature cited by the submitters: PubMed 23935525 (cited by Labcorp Genetics (formerly Invitae), Labcorp); PubMed 8875188 (cited by Labcorp Genetics (formerly Invitae), Labcorp); PubMed 16720462 (cited by Labcorp Genetics (formerly Invitae), Labcorp); PubMed 27431810 (cited by Labcorp Genetics (formerly Invitae), Labcorp); PubMed 10666480 (cited by Labcorp Genetics (formerly Invitae), Labcorp); PubMed 16595074 (cited by Labcorp Genetics (formerly Invitae), Labcorp).